The following is an entry in ClinVar:

NM_000245.4(MET):c.504G>A (p.Glu168=)

Gene: MET (MET proto-oncogene, receptor tyrosine kinase; plus strand). Cytogenetic location: 7q31.2.
Variant type: single nucleotide variant.
Coding change: c.504G>A on transcript NM_000245.4 (MANE Select); coding-DNA position 504, G replaced by A.
Protein change: p.Glu168=; no amino-acid change (glutamic acid 168 retained).
Molecular consequence: synonymous variant. On other transcripts: intron variant (1).
Genome position (GRCh38, 1-based): chr7:116,699,588, G>A. VCF-style: chr7-116699588-G-A. GRCh37 (hg19) VCF-style: chr7-116339642-G-A.
Other names: c.504G>A, p.Glu168= (NM_001127500.3, NM_001324401.3); c.-91+27011G>A (NM_001324402.2).
Identifiers: ClinVar variation 416939 (VCV000416939.14), dbSNP rs55985569, ClinGen allele CA16611988.

ClinVar aggregate classification (germline): Benign/Likely benign. Review status: criteria provided, multiple submitters, no conflicts (2 of 4 stars). 3 submissions from 3 submitters: Benign (1); Likely benign (2). Last evaluated 2025-05-18.

Conditions:
Hereditary cancer-predisposing syndrome. Also called: Tumor predisposition; Neoplastic Syndromes, Hereditary; Hereditary neoplastic syndrome; Hereditary Cancer Syndrome. Identifiers: Orphanet 140162, MedGen C0027672, MeSH D009386, MONDO:0015356.
Renal cell carcinoma. Identifiers: Orphanet 217071, MedGen C0007134, MeSH D002292, MONDO:0005086, HP:0005584.
Papillary renal cell carcinoma type 1 (RCCP1). Also called: RENAL CELL CARCINOMA, PAPILLARY, 1, SOMATIC; Renal adenocarcinoma; Renal cell carcinoma 1; Renal cell carcinoma, somatic. Identifiers: Orphanet 47044, MedGen C1336839, OMIM 605074, HP:0011797.

gnomAD v4.1: 6 of 1,613,976 alleles (0.00037%); highest among the groups gnomAD compares: Non-Finnish European, 0.00051%; no homozygotes.

Submissions (3):

Labcorp Genetics (formerly Invitae), Labcorp
Classification: Likely benign for Renal cell carcinoma. Last evaluated: 2025-05-18. Review status: criteria provided, single submitter. Criteria: Invitae Variant Classification Sherloc (09022015). Collection method: clinical testing. Allele origin: germline.

Myriad Genetics, Inc.
Classification: Benign for Papillary renal cell carcinoma type 1. Last evaluated: 2024-11-06. Review status: criteria provided, single submitter. Criteria: Myriad Autosomal Dominant, Autosomal Recessive and X-Linked Classification Criteria (2023). Collection method: clinical testing. Allele origin: unknown.
Comment: This variant is considered benign. This variant is a silent/synonymous amino acid change and it is not expected to impact splicing.

Ambry Genetics
Classification: Likely benign for Hereditary cancer-predisposing syndrome. Last evaluated: 2022-05-01. Review status: criteria provided, single submitter. Criteria: Ambry Variant Classification Scheme 2023. Collection method: clinical testing. Allele origin: germline.